The following is an entry in ClinVar:

ClinVar aggregate classification (germline): Uncertain significance. Review status: criteria provided, multiple submitters, no conflicts (2 of 4 stars). 3 submissions from 3 submitters: Uncertain significance (3). Last evaluated 2025-04-13.

Conditions:
Hajdu-Cheney syndrome (HJCYS). Also called: ACROOSTEOLYSIS WITH OSTEOPOROSIS AND CHANGES IN SKULL AND MANDIBLE; Acroosteolysis dominant type; SERPENTINE FIBULA-POLYCYSTIC KIDNEY SYNDROME. Identifiers: Orphanet 955, MedGen C0917715, MONDO:0007057, OMIM 102500.
Alagille syndrome due to a NOTCH2 point mutation. Also called: Alagille syndrome 2. Identifiers: Orphanet 261629, Orphanet 52, MedGen C1857761, MONDO:0012439, OMIM 610205.
Inborn genetic diseases. Identifiers: MedGen C0950123, MeSH D030342.

gnomAD v4.1: 3 of 1,614,182 alleles (0.00019%); highest among the groups gnomAD compares: Non-Finnish European, 0.00017%; no homozygotes.

Submissions (3):

Ambry Genetics
Classification: Uncertain significance for Inborn genetic diseases. Last evaluated: 2025-04-13. Review status: criteria provided, single submitter. Criteria: Ambry Variant Classification Scheme 2023. Collection method: clinical testing. Allele origin: germline.

Labcorp Genetics (formerly Invitae), Labcorp
Classification: Uncertain significance for Hajdu-Cheney syndrome. Last evaluated: 2024-03-27. Review status: criteria provided, single submitter. Criteria: Invitae Variant Classification Sherloc (09022015). Collection method: clinical testing. Allele origin: germline.
Comment: This sequence change replaces isoleucine, which is neutral and non-polar, with methionine, which is neutral and non-polar, at codon 1549 of the NOTCH2 protein (p.Ile1549Met). This variant is not present in population databases (gnomAD no frequency). This variant has not been reported in the literature in individuals affected with NOTCH2-related conditions. ClinVar contains an entry for this variant (Variation ID: 812146). Advanced modeling of protein sequence and biophysical properties (such as structural, functional, and spatial information, amino acid conservation, physicochemical variation, residue mobility, and thermodynamic stability) performed at Invitae indicates that this missense variant is not expected to disrupt NOTCH2 protein function with a negative predictive value of 80%. In summary, the available evidence is currently insufficient to determine the role of this variant in disease. Therefore, it has been classified as a Variant of Uncertain Significance.

MVZ Martinsried, Medicover Genetics
Classification: Uncertain significance for Alagille syndrome due to a NOTCH2 point mutation. Last evaluated: 2019-07-12. Review status: criteria provided, single submitter. Criteria: ACMG Guidelines, 2015. Collection method: clinical testing. Allele origin: maternal. Affected: yes.

NM_024408.4(NOTCH2):c.4647T>G (p.Ile1549Met)

Gene: NOTCH2 (notch receptor 2; minus strand). Cytogenetic location: 1p12.
Variant type: single nucleotide variant.
Coding change: c.4647T>G on transcript NM_024408.4 (MANE Select); coding-DNA position 4647, T replaced by G.
Protein change: p.Ile1549Met; replaces isoleucine 1549 with methionine.
Molecular consequence: missense variant.
Genome position (GRCh38, 1-based): chr1:119,923,849, A>C on the plus strand (T>G on the coding strand, the complement: NOTCH2 is on the minus strand). VCF-style: chr1-119923849-A-C. GRCh37 (hg19) VCF-style: chr1-120466472-A-C.
Other names: short protein forms I1549M.
Identifiers: ClinVar variation 812146 (VCV000812146.7), dbSNP rs1396873392, ClinGen allele CA341888965.
Genomic context (GRCh38, chr1:119,923,849, plus strand): 5'-CAGTGCCCGCAAGAAGCTGCGAGCATCCTGGAGCAGTTGTTCAGGTGGCATCAATACCAC[A>C]ATAACCAGGGTACCTTCTGCCAGGTTCTCAGGTTGGTCAGCAGCACAGTCCAGCCCATCC-3'
Protein context (NP_077719.2, residues 1539-1559): PENLAEGTLV[Ile1549Met]VVLMPPEQLL